The following is an entry in ClinVar:

ClinVar aggregate classification (germline): Uncertain significance (1 of 4 stars; one submission).

Conditions:
Inborn genetic diseases. Identifiers: MedGen C0950123, MeSH D030342.

Submission:

Ambry Genetics
Classification: Uncertain significance for Inborn genetic diseases. Last evaluated: 2021-12-11. Review status: criteria provided, single submitter. Criteria: Ambry General Variant Classification Scheme_2022. Collection method: clinical testing. Allele origin: germline. Observed: 1 variant allele.
Comment: The p.K133T variant (also known as c.398A>C), located in coding exon 1 of the EGLN2 gene, results from an A to C substitution at nucleotide position 398. The lysine at codon 133 is replaced by threonine, an amino acid with similar properties. This amino acid position is conserved. In addition, this alteration is predicted to be tolerated by in silico analysis. Since supporting evidence is limited at this time, the clinical significance of this alteration remains unclear.

NM_080732.4(EGLN2):c.398A>C (p.Lys133Thr)

Genes: EGLN2 (egl-9 family hypoxia inducible factor 2; plus strand), RAB4B-EGLN2 (RAB4B-EGLN2 readthrough (NMD candidate); plus strand). Cytogenetic location: 19q13.2.
Variant type: single nucleotide variant.
Coding change: c.398A>C on transcript NM_080732.4 (MANE Select); coding-DNA position 398, A replaced by C.
Protein change: p.Lys133Thr; replaces lysine 133 with threonine.
Molecular consequence: missense variant. On other transcripts: non-coding transcript variant (1).
Genome position (GRCh38, 1-based): chr19:40,800,970, A>C. VCF-style: chr19-40800970-A-C. GRCh37 (hg19) VCF-style: chr19-41306875-A-C.
Other names: c.398A>C, p.Lys133Thr (NM_053046.4); short protein forms K133T.
Identifiers: ClinVar variation 1736745 (VCV001736745.1), dbSNP rs749225346, ClinGen allele CA405955166.
Genomic context (GRCh38, chr19:40,800,970, plus strand): 5'-GGCCTGAGGCCCCCAAACGGAAATGGGCCGAGGATGGTGGGGATGCCCCTTCACCCAGCA[A>C]ACGGCCCTGGGCCAGGCAAGAGAACCAGGAGGCAGAGCGGGAGGGTGGCATGAGCTGCAG-3'
Protein context (NP_542770.2, residues 123-143): EDGGDAPSPS[Lys133Thr]RPWARQENQE